The following is an entry in ClinVar:

NM_004333.6(BRAF):c.976A>C (p.Ile326Leu)

Gene: BRAF (B-Raf proto-oncogene, serine/threonine kinase; minus strand). Cytogenetic location: 7q34.
Variant type: single nucleotide variant.
Coding change: c.976A>C on transcript NM_004333.6 (MANE Select); coding-DNA position 976, A replaced by C.
Protein change: p.Ile326Leu; replaces isoleucine 326 with leucine.
Molecular consequence: missense variant.
Genome position (GRCh38, 1-based): chr7:140,800,366, T>G on the plus strand (A>C on the coding strand, the complement: BRAF is on the minus strand). VCF-style: chr7-140800366-T-G. GRCh37 (hg19) VCF-style: chr7-140500166-T-G.
Other names: c.976A>C, p.Ile326Leu (NM_001354609.2, NM_001374244.1, NM_001374258.1 and 4 more transcripts); c.985A>C, p.Ile329Leu (NM_001378467.1); c.874A>C, p.Ile292Leu (NM_001378470.1); c.820A>C, p.Ile274Leu (NM_001378472.1, NM_001378473.1); c.712A>C, p.Ile238Leu (NM_001378475.1); short protein forms I238L, I326L, I329L, I292L, I274L.
Identifiers: ClinVar variation 2740653 (VCV002740653.3), dbSNP rs775040765, ClinGen allele CA369590318.
Genomic context (GRCh38, chr7:140,800,366, plus strand): 5'-TCCAAAAGAAAGCGGTTCAAGTAGCATGTCGCCCAAGAGCAGAAGTCAAACCATACCCAA[T>G]AGAGTCCGAGGCGGGTGCGGAAGGGGATGATCCAGATGTTAGGGCAGTCTCTGCTAAGGA-3'
Protein context (NP_004324.2, residues 316-336): SSPSAPASDS[Ile326Leu]GPQILTSPSP

ClinVar aggregate classification (germline): Uncertain significance (1 of 4 stars; one submission).

Conditions:
RASopathy. Also called: Noonan spectrum disorder; rasopathies. Identifiers: Orphanet 536391, MedGen C5555857, MONDO:0021060.

Submission:

Labcorp Genetics (formerly Invitae), Labcorp
Classification: Uncertain significance for RASopathy. Last evaluated: 2023-02-06. Review status: criteria provided, single submitter. Criteria: Invitae Variant Classification Sherloc (09022015). Collection method: clinical testing. Allele origin: germline.
Comment: This variant has not been reported in the literature in individuals affected with BRAF-related conditions. This variant is not present in population databases (gnomAD no frequency). This sequence change replaces isoleucine, which is neutral and non-polar, with leucine, which is neutral and non-polar, at codon 326 of the BRAF protein (p.Ile326Leu). Advanced modeling of protein sequence and biophysical properties (such as structural, functional, and spatial information, amino acid conservation, physicochemical variation, residue mobility, and thermodynamic stability) performed at Invitae indicates that this missense variant is not expected to disrupt BRAF protein function. In summary, the available evidence is currently insufficient to determine the role of this variant in disease. Therefore, it has been classified as a Variant of Uncertain Significance.